The following is an entry in ClinVar:

ClinVar aggregate classification (germline): Conflicting classifications of pathogenicity. Review status: criteria provided, conflicting classifications (1 of 4 stars). 5 submissions from 5 submitters: Likely pathogenic (4); Uncertain significance (1). Last evaluated 2025-12-22.

Conditions:
Leigh syndrome (NULS). Also called: Leigh's syndrome; LEIGH SYNDROME, NUCLEAR; Leigh Syndrome (mtDNA deletion); Leigh's necrotizing encephalopathy; Leigh's disease; Leigh Disease. Identifiers: Orphanet 506, MedGen C2931891, MONDO:0009723, OMIM 256000.
Hepatoencephalopathy due to combined oxidative phosphorylation defect type 1. Also called: HEPATOENCEPHALOPATHY, EARLY FATAL PROGRESSIVE. Identifiers: Orphanet 137681, MedGen C1836797, MONDO:0012191, OMIM 609060.

Allele frequency attached by ClinVar (database versions not stated): gnomAD exomes below 0.00001.
gnomAD v4.1: 3 of 1,344,008 alleles (0.00022%); highest among the groups gnomAD compares: Non-Finnish European, 0.00011%; no homozygotes.

Submissions (5):

Natera, Inc.
Classification: Likely pathogenic for Combined oxidative phosphorylation deficiency 1. Last evaluated: 2025-12-22. Review status: criteria provided, single submitter. Criteria: Natera Variant Classification Schema (03/2026). Collection method: clinical testing. Allele origin: germline.
Comment: The c.573-1G>C variant in GFM1 is a canonical splice acceptor site variant predicted to affect pre-mRNA splicing, which may result in an abnormal transcript and altered protein product. This variant is expected to result in nonsense mediated decay, truncation, or a dysfunctional protein product. This variant is rare in the general population with a frequency below the threshold expected for the associated phenotype(s). Given the available evidence, this variant is classified as Likely Pathogenic.

Labcorp Genetics (formerly Invitae), Labcorp
Classification: Likely pathogenic. Last evaluated: 2024-01-22. Review status: criteria provided, single submitter. Criteria: Invitae Variant Classification Sherloc (09022015). Collection method: clinical testing. Allele origin: germline.
Comment: This sequence change affects an acceptor splice site in intron 4 of the GFM1 gene. It is expected to disrupt RNA splicing. Variants that disrupt the donor or acceptor splice site typically lead to a loss of protein function (PMID: 16199547), and loss-of-function variants in GFM1 are known to be pathogenic (PMID: 16632485, 17160893). This variant is not present in population databases (gnomAD no frequency). This variant has not been reported in the literature in individuals affected with GFM1-related conditions. ClinVar contains an entry for this variant (Variation ID: 1068183). Algorithms developed to predict the effect of sequence changes on RNA splicing suggest that this variant may disrupt the consensus splice site. In summary, the currently available evidence indicates that the variant is pathogenic, but additional data are needed to prove that conclusively. Therefore, this variant has been classified as Likely Pathogenic.

Women's Health and Genetics/Laboratory Corporation of America, LabCorp
Classification: Likely pathogenic for Hepatoencephalopathy due to combined oxidative phosphorylation defect type 1. Last evaluated: 2023-08-25. Review status: criteria provided, single submitter. Criteria: LabCorp Variant Classification Summary - May 2015. Collection method: clinical testing. Allele origin: germline.
Comment: Variant summary: GFM1 c.573-1G>C is located in a canonical splice-site and is predicted to affect mRNA splicing resulting in a significantly altered protein due to either exon skipping, shortening, or inclusion of intronic material. Several computational tools predict a significant impact on normal splicing: Four predict the variant abolishes a 3' acceptor site. However, these predictions have yet to be confirmed by functional studies. The variant was absent in 251410 control chromosomes (gnomAD). To our knowledge, no occurrence of c.573-1G>C in individuals affected with Combined Oxidative Phosphorylation Deficiency 1 and no experimental evidence demonstrating its impact on protein function have been reported. Three submitters have reported clinical-significance assessments for this variant to ClinVar after 2014 with conflicting assessments: two submitters classified the variant as likely pathogenic, and one submitter classified the variant as uncertain significance. Based on the evidence outlined above, the variant was classified as likely pathogenic.

Department of Pathology and Laboratory Medicine, Sinai Health System
Classification: Likely pathogenic for Leigh syndrome. Last evaluated: 2023-01-17. Review status: criteria provided, single submitter. Criteria: ACMG Guidelines, 2015. Collection method: research. Allele origin: germline.

Mayo Clinic Laboratories, Mayo Clinic
Classification: Uncertain significance. Last evaluated: 2021-01-21. Review status: criteria provided, single submitter. Criteria: ACMG Guidelines, 2015. Collection method: clinical testing. Allele origin: germline. Observed: 1 variant allele.

Literature cited by the submitters: PubMed 16199547 (cited by Labcorp Genetics (formerly Invitae), Labcorp); PubMed 16632485 (cited by Labcorp Genetics (formerly Invitae), Labcorp); PubMed 17160893 (cited by Labcorp Genetics (formerly Invitae), Labcorp).

NM_024996.7(GFM1):c.573-1G>C

Gene: GFM1 (G elongation factor mitochondrial 1; plus strand). Cytogenetic location: 3q25.32.
Variant type: single nucleotide variant.
Coding change: c.573-1G>C on transcript NM_024996.7 (MANE Select); the canonical splice acceptor site of the intron before coding-DNA position 573, G replaced by C.
Molecular consequence: splice acceptor variant. On other transcripts: intron variant (3).
Genome position (GRCh38, 1-based): chr3:158,649,040, G>C. VCF-style: chr3-158649040-G-C. GRCh37 (hg19) VCF-style: chr3-158366829-G-C.
Other names: c.235-3060G>C (NM_001374358.1); c.573-1G>C (NM_001308166.2, NM_001308164.2, NM_001374355.1); c.348-1G>C (NM_001374357.1); c.572+2093G>C (NM_001374356.1); c.6-1G>C (NM_001374359.1, NM_001374360.1); c.6-3056G>C (NM_001374361.1).
Identifiers: ClinVar variation 1068183 (VCV001068183.19), dbSNP rs2108009356, ClinGen allele CA355176176.